The following is an entry in ClinVar:

ClinVar aggregate classification (germline): Conflicting classifications of pathogenicity. Review status: criteria provided, conflicting classifications (1 of 4 stars). 4 submissions from 4 submitters: Pathogenic (2); Uncertain significance (1). 1 of the submissions does not count toward it. Last evaluated 2023-07-25.

Conditions:
Charcot-Marie-Tooth disease dominant intermediate E. Also called: CHARCOT-MARIE-TOOTH NEUROPATHY WITH FOCAL SEGMENTAL GLOMERULONEPHRITIS. Identifiers: Orphanet 93114, MedGen C4302667, MONDO:0013758, OMIM 614455.
Focal segmental glomerulosclerosis 5 (FSGS5). Identifiers: Orphanet 656, MedGen C2750475, MONDO:0013191, OMIM 613237.

Submissions (4):

Labcorp Genetics (formerly Invitae), Labcorp
Classification: Pathogenic for Charcot-Marie-Tooth disease dominant intermediate E; Focal segmental glomerulosclerosis 5. Last evaluated: 2023-07-25. Review status: criteria provided, single submitter. Criteria: Invitae Variant Classification Sherloc (09022015). Collection method: clinical testing. Allele origin: germline.
Comment: For these reasons, this variant has been classified as Pathogenic. This variant disrupts the p.Cys104 amino acid residue in INF2. Other variant(s) that disrupt this residue have been determined to be pathogenic (PMID: 22187985, 29653220; Invitae). This suggests that this residue is clinically significant, and that variants that disrupt this residue are likely to be disease-causing. Advanced modeling of protein sequence and biophysical properties (such as structural, functional, and spatial information, amino acid conservation, physicochemical variation, residue mobility, and thermodynamic stability) performed at Invitae indicates that this missense variant is expected to disrupt INF2 protein function. ClinVar contains an entry for this variant (Variation ID: 30864). This missense change has been observed in individual(s) with clinical features of Charcot-Marie-Tooth disease (PMID: 22187985). In at least one individual the variant was observed to be de novo. This variant is not present in population databases (gnomAD no frequency). This sequence change replaces cysteine, which is neutral and slightly polar, with arginine, which is basic and polar, at codon 104 of the INF2 protein (p.Cys104Arg).

Revvity Omics, Revvity
Classification: Uncertain significance. Last evaluated: 2023-03-21. Review status: criteria provided, single submitter. Criteria: ACMG Guidelines, 2015. Collection method: clinical testing. Allele origin: germline.

Equipe Genetique des Anomalies du Developpement, Université de Bourgogne
Classification: Pathogenic for Charcot-Marie-Tooth disease dominant intermediate E. Last evaluated: 2021-10-28. Review status: criteria provided, single submitter. Criteria: ACMG Guidelines, 2015. Collection method: clinical testing. Allele origin: unknown. Affected: yes.

OMIM
Classification: Pathogenic for CHARCOT-MARIE-TOOTH DISEASE, DOMINANT INTERMEDIATE E. Last evaluated: 2011-12-22. Review status: no assertion criteria provided. Collection method: literature only. Allele origin: germline. Not counted in ClinVar's aggregate classification.

Literature cited by the submitters: PubMed 22187985 (cited by Labcorp Genetics (formerly Invitae), Labcorp and OMIM); PubMed 29653220 (cited by Labcorp Genetics (formerly Invitae), Labcorp).

NM_022489.4(INF2):c.310T>C (p.Cys104Arg)

Gene: INF2 (inverted formin 2; plus strand). Cytogenetic location: 14q32.33.
Variant type: single nucleotide variant.
Coding change: c.310T>C on transcript NM_022489.4 (MANE Select); coding-DNA position 310, T replaced by C.
Protein change: p.Cys104Arg; replaces cysteine 104 with arginine.
Molecular consequence: missense variant.
Genome position (GRCh38, 1-based): chr14:104,701,675, T>C. VCF-style: chr14-104701675-T-C. GRCh37 (hg19) VCF-style: chr14-105168012-T-C.
Other names: c.310T>C, p.Cys104Arg (NM_001031714.4, NM_032714.3); short protein forms C104R.
Identifiers: ClinVar variation 30864 (VCV000030864.8), dbSNP rs387907034, ClinGen allele CA129509.
Genomic context (GRCh38, chr14:104,701,675, plus strand): 5'-CTGTCGGGCCGCGGCGTTGCACGTATCTCCGACGCCCTGCTGCAGCTCACCTGCGTCAGC[T>C]GCGTGCGCGCCGTCATGAACTCGCGGCAGGGCATCGAGTACATCCTCAGCAACCAGGGCT-3'
Protein context (NP_071934.3, residues 94-114): DALLQLTCVS[Cys104Arg]VRAVMNSRQG